The following is an entry in ClinVar:

NM_021830.5(TWNK):c.1902C>G (p.Asn634Lys)

Gene: TWNK (twinkle mtDNA helicase; plus strand). Cytogenetic location: 10q24.31.
Variant type: single nucleotide variant.
Coding change: c.1902C>G on transcript NM_021830.5 (MANE Select); coding-DNA position 1902, C replaced by G.
Protein change: p.Asn634Lys; replaces asparagine 634 with lysine.
Molecular consequence: missense variant. On other transcripts: 3 prime UTR variant (2), non-coding transcript variant (5).
Genome position (GRCh38, 1-based): chr10:100,993,357, C>G. VCF-style: chr10-100993357-C-G. GRCh37 (hg19) VCF-style: chr10-102753114-C-G.
Other names: c.*197C>G (NM_001163812.2, NM_001163814.2); c.540C>G, p.Asn180Lys (NM_001163813.2, NM_001368275.1); c.1902C>G (NM_021830.4); short protein forms N180K, N634K.
Identifiers: ClinVar variation 2185900 (VCV002185900.6), dbSNP rs62626293, ClinGen allele CA5653361.

ClinVar aggregate classification (germline): Uncertain significance. Review status: criteria provided, multiple submitters, no conflicts (2 of 4 stars). 3 submissions from 3 submitters: Uncertain significance (3). Last evaluated 2026-02-05.

Conditions:
TWNK-related disorder. Also called: TWNK-related condition.

Submissions (3):

PreventionGenetics, part of Exact Sciences
Classification: Uncertain significance for TWNK-related condition. Last evaluated: 2026-02-05. Review status: criteria provided, single submitter. Criteria: ACMG Guidelines, 2015. Collection method: clinical testing. Allele origin: germline.
Comment: The TWNK c.1902C>G variant is predicted to result in the amino acid substitution p.Asn634Lys. To our knowledge, this variant has not been reported in the literature. This variant is reported in 0.012% of alleles in individuals of Latino descent in gnomAD. At this time, the clinical significance of this variant is uncertain due to the absence of conclusive functional and genetic evidence.

Labcorp Genetics (formerly Invitae), Labcorp
Classification: Uncertain significance. Last evaluated: 2025-02-17. Review status: criteria provided, single submitter. Criteria: Invitae Variant Classification Sherloc (09022015). Collection method: clinical testing. Allele origin: germline.
Comment: This sequence change replaces asparagine, which is neutral and polar, with lysine, which is basic and polar, at codon 634 of the TWNK protein (p.Asn634Lys). This variant is present in population databases (rs62626293, gnomAD 0.009%). This variant has not been reported in the literature in individuals affected with TWNK-related conditions. ClinVar contains an entry for this variant (Variation ID: 2185900). Invitae Evidence Modeling of protein sequence and biophysical properties (such as structural, functional, and spatial information, amino acid conservation, physicochemical variation, residue mobility, and thermodynamic stability) indicates that this missense variant is not expected to disrupt TWNK protein function with a negative predictive value of 95%. In summary, the available evidence is currently insufficient to determine the role of this variant in disease. Therefore, it has been classified as a Variant of Uncertain Significance.

Blueprint Genetics
Classification: Uncertain significance. Last evaluated: 2022-05-31. Review status: criteria provided, single submitter. Criteria: ACMG Guidelines, 2015. Collection method: clinical testing. Allele origin: germline.